The following is an entry in ClinVar:

ClinVar aggregate classification (germline): Uncertain significance (1 of 4 stars; one submission).

Allele frequency attached by ClinVar (database versions not stated): TOPMed below 0.00001.

Submission:

Ambry Genetics
Classification: Uncertain significance. Last evaluated: 2023-09-25. Review status: criteria provided, single submitter. Criteria: Ambry Variant Classification Scheme 2023. Collection method: clinical testing. Allele origin: germline.
Comment: The p.S276R variant (also known as c.828T>A), located in coding exon 1 of the MLH3 gene, results from a T to A substitution at nucleotide position 828. The serine at codon 276 is replaced by arginine, an amino acid with dissimilar properties. This amino acid position is conserved. In addition, this alteration is predicted to be deleterious by in silico analysis. Since supporting evidence is limited at this time, the clinical significance of this alteration remains unclear.

NM_001040108.2(MLH3):c.828T>A (p.Ser276Arg)

Gene: MLH3 (mutL homolog 3; minus strand). Cytogenetic location: 14q24.3.
Variant type: single nucleotide variant.
Coding change: c.828T>A on transcript NM_001040108.2 (MANE Select); coding-DNA position 828, T replaced by A.
Protein change: p.Ser276Arg; replaces serine 276 with arginine.
Molecular consequence: missense variant.
Genome position (GRCh38, 1-based): chr14:75,048,828, A>T on the plus strand (T>A on the coding strand, the complement: MLH3 is on the minus strand). VCF-style: chr14-75048828-A-T. GRCh37 (hg19) VCF-style: chr14-75515531-A-T.
Other names: c.828T>A, p.Ser276Arg (NM_014381.3); short protein forms S276R.
Identifiers: ClinVar variation 3232599 (VCV003232599.1), dbSNP rs1892455476, ClinGen allele CA390448952.